The following is an entry in ClinVar:

NM_001134407.3(GRIN2A):c.2998G>C (p.Val1000Leu)

Gene: GRIN2A (glutamate ionotropic receptor NMDA type subunit 2A; minus strand). Cytogenetic location: 16p13.2.
Variant type: single nucleotide variant.
Coding change: c.2998G>C on transcript NM_001134407.3 (MANE Select); coding-DNA position 2998, G replaced by C.
Protein change: p.Val1000Leu; replaces valine 1000 with leucine.
Molecular consequence: missense variant.
Genome position (GRCh38, 1-based): chr16:9,764,546, C>G on the plus strand (G>C on the coding strand, the complement: GRIN2A is on the minus strand). VCF-style: chr16-9764546-C-G. GRCh37 (hg19) VCF-style: chr16-9858403-C-G.
Other names: c.2998G>C, p.Val1000Leu (NM_000833.5, NM_001134408.2); short protein forms V1000L.
Identifiers: ClinVar variation 2816829 (VCV002816829.3), dbSNP rs1596377028, ClinGen allele CA394708890.

ClinVar aggregate classification (germline): Uncertain significance (1 of 4 stars; one submission).

Conditions:
Landau-Kleffner syndrome (FESD). Also called: EPILEPSY, FOCAL, WITH SPEECH DISORDER AND WITH OR WITHOUT MENTAL RETARDATION; APHASIA, ACQUIRED, WITH EPILEPSY. Identifiers: Orphanet 1945, Orphanet 725, Orphanet 98818, MedGen C0282512, MONDO:0009509, OMIM 245570.

gnomAD v4.1: 3 of 1,613,904 alleles (0.00019%); highest among the groups gnomAD compares: Non-Finnish European, 0.00025%; no homozygotes.

Submission:

Labcorp Genetics (formerly Invitae), Labcorp
Classification: Uncertain significance for Landau-Kleffner syndrome. Last evaluated: 2023-03-14. Review status: criteria provided, single submitter. Criteria: Invitae Variant Classification Sherloc (09022015). Collection method: clinical testing. Allele origin: germline.
Comment: In summary, the available evidence is currently insufficient to determine the role of this variant in disease. Therefore, it has been classified as a Variant of Uncertain Significance. Advanced modeling of protein sequence and biophysical properties (such as structural, functional, and spatial information, amino acid conservation, physicochemical variation, residue mobility, and thermodynamic stability) performed at Invitae indicates that this missense variant is not expected to disrupt GRIN2A protein function. This sequence change replaces valine, which is neutral and non-polar, with leucine, which is neutral and non-polar, at codon 1000 of the GRIN2A protein (p.Val1000Leu). This variant is not present in population databases (gnomAD no frequency). This variant has not been reported in the literature in individuals affected with GRIN2A-related conditions.